The following is an entry in ClinVar:

NM_144498.4(OSBPL2):c.1264G>A (p.Glu422Lys)

Gene: OSBPL2 (oxysterol binding protein like 2; plus strand). Cytogenetic location: 20q13.33.
Variant type: single nucleotide variant.
Coding change: c.1264G>A on transcript NM_144498.4 (MANE Select); coding-DNA position 1264, G replaced by A.
Protein change: p.Glu422Lys; replaces glutamic acid 422 with lysine.
Molecular consequence: missense variant. On other transcripts: synonymous variant (1).
Genome position (GRCh38, 1-based): chr20:62,291,717, G>A. VCF-style: chr20-62291717-G-A. GRCh37 (hg19) VCF-style: chr20-60866773-G-A.
Other names: c.864G>A, p.Arg288= (NM_001278649.3); c.988G>A, p.Glu330Lys (NM_001363878.2); c.1228G>A, p.Glu410Lys (NM_014835.5); short protein forms E410K, E330K, E422K.
Identifiers: ClinVar variation 4727012 (VCV004727012.1).
Genomic context (GRCh38, chr20:62,291,717, plus strand): 5'-GGTTCTAAGGTCTCTGTCTGACCTAAACTGTTTGCTTGGATCCTAGATCTGGCCAGCCAG[G>A]AGAAGGAGCGGCTGGAGGAGAAGCAGAGAGAAGCACGGAGGGAGCGGGCCAAGGAGGAGG-3'
Protein context (NP_653081.1, residues 412-432): ENGNMDLASQ[Glu422Lys]KERLEEKQRE

ClinVar aggregate classification (germline): Uncertain significance (1 of 4 stars; one submission).

Submission:

Labcorp Genetics (formerly Invitae), Labcorp
Classification: Uncertain significance. Last evaluated: 2025-09-10. Review status: criteria provided, single submitter. Criteria: Invitae Variant Classification Sherloc (09022015). Collection method: clinical testing. Allele origin: germline.
Comment: This sequence change replaces glutamic acid, which is acidic and polar, with lysine, which is basic and polar, at codon 422 of the OSBPL2 protein (p.Glu422Lys). This variant is not present in population databases (gnomAD no frequency). This variant has not been reported in the literature in individuals affected with OSBPL2-related conditions. An algorithm developed to predict the effect of missense changes on protein structure and function (PolyPhen-2) suggests that this variant is likely to be disruptive. In summary, the available evidence is currently insufficient to determine the role of this variant in disease. Therefore, it has been classified as a Variant of Uncertain Significance.